The following is an entry in ClinVar:

NM_001036.6(RYR3):c.8077G>C (p.Glu2693Gln)

Gene: RYR3 (ryanodine receptor 3; plus strand). Cytogenetic location: 15q14.
Variant type: single nucleotide variant.
Coding change: c.8077G>C on transcript NM_001036.6 (MANE Select); coding-DNA position 8077, G replaced by C.
Protein change: p.Glu2693Gln; replaces glutamic acid 2693 with glutamine.
Molecular consequence: missense variant.
Genome position (GRCh38, 1-based): chr15:33,748,201, G>C. VCF-style: chr15-33748201-G-C. GRCh37 (hg19) VCF-style: chr15-34040402-G-C.
Other names: c.8077G>C, p.Glu2693Gln (NM_001243996.4); short protein forms E2693Q.
Identifiers: ClinVar variation 531040 (VCV000531040.10), dbSNP rs377292446, ClinGen allele CA7460079.

ClinVar aggregate classification (germline): Uncertain significance (1 of 4 stars; one submission).

Conditions:
Epileptic encephalopathy. Identifiers: MedGen C0543888, HP:0200134.

Allele frequency attached by ClinVar (database versions not stated): ExAC 0.00006; gnomAD 0.00012 and 0.00011; TOPMed 0.00006; gnomAD exomes 0.00004; ESP Exome Variant Server 0.00016.
gnomAD v4.1: 117 of 1,613,748 alleles (0.0073%); highest among the groups gnomAD compares: Non-Finnish European, 0.0095%; no homozygotes.

Submission:

Labcorp Genetics (formerly Invitae), Labcorp
Classification: Uncertain significance for Epileptic encephalopathy. Last evaluated: 2024-10-25. Review status: criteria provided, single submitter. Criteria: Invitae Variant Classification Sherloc (09022015). Collection method: clinical testing. Allele origin: germline.
Comment: This sequence change replaces glutamic acid, which is acidic and polar, with glutamine, which is neutral and polar, at codon 2693 of the RYR3 protein (p.Glu2693Gln). This variant is present in population databases (rs377292446, gnomAD 0.01%). This variant has not been reported in the literature in individuals affected with RYR3-related conditions. ClinVar contains an entry for this variant (Variation ID: 531040). Invitae Evidence Modeling of protein sequence and biophysical properties (such as structural, functional, and spatial information, amino acid conservation, physicochemical variation, residue mobility, and thermodynamic stability) indicates that this missense variant is not expected to disrupt RYR3 protein function with a negative predictive value of 80%. In summary, the available evidence is currently insufficient to determine the role of this variant in disease. Therefore, it has been classified as a Variant of Uncertain Significance.